The following is an entry in ClinVar:

ClinVar aggregate classification (germline): Uncertain significance. Review status: criteria provided, multiple submitters, no conflicts (2 of 4 stars). 3 submissions from 3 submitters: Uncertain significance (3). Last evaluated 2024-12-29.

Conditions:
Inborn genetic diseases. Identifiers: MedGen C0950123, MeSH D030342.

Allele frequency attached by ClinVar (database versions not stated): gnomAD exomes below 0.00001; gnomAD 0.00001; ExAC 0.00004; TOPMed 0.00005.
gnomAD v4.1: 29 of 1,614,054 alleles (0.0018%); highest among the groups gnomAD compares: East Asian, 0.0067%; no homozygotes.

Submissions (3):

Ambry Genetics
Classification: Uncertain significance for Inborn genetic diseases. Last evaluated: 2024-12-29. Review status: criteria provided, single submitter. Criteria: Ambry Variant Classification Scheme 2023. Collection method: clinical testing. Allele origin: germline.

Blueprint Genetics
Classification: Uncertain significance. Last evaluated: 2024-05-08. Review status: criteria provided, single submitter. Criteria: ACMG Guidelines, 2015. Collection method: clinical testing. Allele origin: germline.

Labcorp Genetics (formerly Invitae), Labcorp
Classification: Uncertain significance. Last evaluated: 2022-07-21. Review status: criteria provided, single submitter. Criteria: Invitae Variant Classification Sherloc (09022015). Collection method: clinical testing. Allele origin: germline.
Comment: This sequence change replaces methionine, which is neutral and non-polar, with leucine, which is neutral and non-polar, at codon 843 of the COL27A1 protein (p.Met843Leu). This variant is present in population databases (rs377123614, gnomAD 0.04%). This variant has not been reported in the literature in individuals affected with COL27A1-related conditions. Advanced modeling of protein sequence and biophysical properties (such as structural, functional, and spatial information, amino acid conservation, physicochemical variation, residue mobility, and thermodynamic stability) performed at Invitae indicates that this missense variant is not expected to disrupt COL27A1 protein function. In summary, the available evidence is currently insufficient to determine the role of this variant in disease. Therefore, it has been classified as a Variant of Uncertain Significance.

NM_032888.4(COL27A1):c.2527A>T (p.Met843Leu)

Gene: COL27A1 (collagen type XXVII alpha 1 chain; plus strand). Cytogenetic location: 9q32.
Variant type: single nucleotide variant.
Coding change: c.2527A>T on transcript NM_032888.4 (MANE Select); coding-DNA position 2527, A replaced by T.
Protein change: p.Met843Leu; replaces methionine 843 with leucine.
Molecular consequence: missense variant.
Genome position (GRCh38, 1-based): chr9:114,231,828, A>T. VCF-style: chr9-114231828-A-T. GRCh37 (hg19) VCF-style: chr9-116994108-A-T.
Other names: c.2527A>T (NM_032888.2); short protein forms M843L.
Identifiers: ClinVar variation 2040606 (VCV002040606.3), dbSNP rs377123614, ClinGen allele CA5201927.